The following is an entry in ClinVar:

ClinVar aggregate classification (germline): Uncertain significance. Review status: criteria provided, multiple submitters, no conflicts (2 of 4 stars). 2 submissions from 2 submitters: Uncertain significance (2). Last evaluated 2024-04-09.

Conditions:
Hypertrophic cardiomyopathy. Also called: HYPERTROPHIC MYOCARDIOPATHY. Identifiers: Orphanet 217569, MedGen C0007194, MeSH D002312, MONDO:0005045, HP:0001639.

Allele frequency attached by ClinVar (database versions not stated): gnomAD exomes below 0.00001.

Submissions (2):

Labcorp Genetics (formerly Invitae), Labcorp
Classification: Uncertain significance for Hypertrophic cardiomyopathy. Last evaluated: 2024-04-09. Review status: criteria provided, single submitter. Criteria: Invitae Variant Classification Sherloc (09022015). Collection method: clinical testing. Allele origin: germline.
Comment: This sequence change replaces proline, which is neutral and non-polar, with serine, which is neutral and polar, at codon 316 of the MYBPC3 protein (p.Pro316Ser). This variant is not present in population databases (gnomAD no frequency). This variant has not been reported in the literature in individuals affected with MYBPC3-related conditions. An algorithm developed to predict the effect of missense changes on protein structure and function (PolyPhen-2) suggests that this variant is likely to be tolerated. In summary, the available evidence is currently insufficient to determine the role of this variant in disease. Therefore, it has been classified as a Variant of Uncertain Significance.

All of Us Research Program, National Institutes of Health
Classification: Uncertain significance for Hypertrophic cardiomyopathy. Last evaluated: 2024-01-11. Review status: criteria provided, single submitter. Criteria: ACMG Guidelines, 2015. Collection method: clinical testing. Allele origin: germline. Inheritance: Autosomal dominant inheritance. Observed: 1 variant allele, 1 heterozygote.
Comment: This study involves interpretation of variants in research participants for the purpose of population health screening. Participant phenotype was not available at the time of variant classification. Additional details can be found in publication PMID: 35346344, PMCID: PMC8962531

NM_000256.3(MYBPC3):c.946C>T (p.Pro316Ser)

Gene: MYBPC3 (myosin binding protein C3; minus strand). Cytogenetic location: 11p11.2.
Variant type: single nucleotide variant.
Coding change: c.946C>T on transcript NM_000256.3 (MANE Select); coding-DNA position 946, C replaced by T.
Protein change: p.Pro316Ser; replaces proline 316 with serine.
Molecular consequence: missense variant.
Genome position (GRCh38, 1-based): chr11:47,346,351, G>A on the plus strand (C>T on the coding strand, the complement: MYBPC3 is on the minus strand). VCF-style: chr11-47346351-G-A. GRCh37 (hg19) VCF-style: chr11-47367902-G-A.
Other names: short protein forms P316S.
Identifiers: ClinVar variation 3075376 (VCV003075376.3), dbSNP rs2095894126, ClinGen allele CA380332113.